The following is an entry in ClinVar:

NM_000018.4(ACADVL):c.58G>T (p.Gly20Ter)

Genes: ACADVL (acyl-CoA dehydrogenase very long chain; plus strand), DLG4 (discs large MAGUK scaffold protein 4; minus strand). Cytogenetic location: 17p13.1.
Variant type: single nucleotide variant.
Coding change: c.58G>T on transcript NM_000018.4 (MANE Select); coding-DNA position 58, G replaced by T.
Protein change: p.Gly20Ter; replaces glycine 20 with a stop codon.
Molecular consequence: nonsense. On other transcripts: 5 prime UTR variant (2), non-coding transcript variant (1), intron variant (1).
Genome position (GRCh38, 1-based): chr17:7,220,042, G>T. VCF-style: chr17-7220042-G-T. GRCh37 (hg19) VCF-style: chr17-7123361-G-T.
Other names: c.-1193C>A (NM_001321074.1); c.58G>T, p.Gly20Ter (NM_001033859.3); c.-246G>T (NM_001270448.2); c.132-80G>T (NM_001270447.2); short protein forms G20*.
Identifiers: ClinVar variation 1969877 (VCV001969877.5), dbSNP rs2508231433, ClinGen allele CA397722002.
Genomic context (GRCh38, chr17:7,220,042, plus strand): 5'-GAGATGCAGGCGGCTCGGATGGCCGCGAGCTTGGGGCGGCAGCTGCTGAGGCTCGGGGGC[G>T]GAAGGTCTGTGTGTGACAAGAGGGACGGTGGGCAGCGGCCCTGGGCACCGGGCCGGCACT-3'

ClinVar aggregate classification (germline): Pathogenic/Likely pathogenic. Review status: criteria provided, multiple submitters, no conflicts (2 of 4 stars). 2 submissions from 2 submitters: Pathogenic (1); Likely pathogenic (1). Last evaluated 2025-07-02.

Conditions:
Very long chain acyl-CoA dehydrogenase deficiency (ACADVLD). Also called: VLCAD Deficiency; Very Long-Chain Acyl-Coenzyme A Dehydrogenase Deficiency. Identifiers: Orphanet 26793, MedGen C3887523, MONDO:0008723, OMIM 201475.

Submissions (2):

Labcorp Genetics (formerly Invitae), Labcorp
Classification: Pathogenic for Very long chain acyl-CoA dehydrogenase deficiency. Last evaluated: 2025-07-02. Review status: criteria provided, single submitter. Criteria: Invitae Variant Classification Sherloc (09022015). Collection method: clinical testing. Allele origin: germline.
Comment: This sequence change creates a premature translational stop signal (p.Gly20*) in the ACADVL gene. It is expected to result in an absent or disrupted protein product. Loss-of-function variants in ACADVL are known to be pathogenic (PMID: 9973285, 11590124). This variant is not present in population databases (gnomAD no frequency). This variant has not been reported in the literature in individuals affected with ACADVL-related conditions. ClinVar contains an entry for this variant (Variation ID: 1969877). For these reasons, this variant has been classified as Pathogenic.

Natera, Inc.
Classification: Likely pathogenic for Very long chain acyl-CoA dehydrogenase deficiency. Last evaluated: 2025-02-27. Review status: criteria provided, single submitter. Criteria: Natera Variant Classification Schema (03/2026). Collection method: clinical testing. Allele origin: germline.
Comment: The c.58G>T variant in ACADVL is a nonsense variant predicted to introduce a stop codon at amino acid 20. This variant is expected to result in nonsense mediated decay, truncation, or a dysfunctional protein product. This variant is rare in the general population with a frequency below the threshold expected for the associated phenotype(s). Given the available evidence, this variant is classified as Likely Pathogenic.

Literature cited by the submitters: PubMed 9973285 (cited by Labcorp Genetics (formerly Invitae), Labcorp); PubMed 11590124 (cited by Labcorp Genetics (formerly Invitae), Labcorp).